The following is an entry in ClinVar:

NM_001199799.2(ILDR1):c.1384C>T (p.Arg462Ter)

Gene: ILDR1 (immunoglobulin like domain containing receptor 1; minus strand). Cytogenetic location: 3q13.33.
Variant type: single nucleotide variant.
Coding change: c.1384C>T on transcript NM_001199799.2 (MANE Select); coding-DNA position 1384, C replaced by T.
Protein change: p.Arg462Ter; replaces arginine 462 with a stop codon.
Molecular consequence: nonsense.
Genome position (GRCh38, 1-based): chr3:121,993,365, G>A on the plus strand (C>T on the coding strand, the complement: ILDR1 is on the minus strand). VCF-style: chr3-121993365-G-A. GRCh37 (hg19) VCF-style: chr3-121712212-G-A.
Other names: c.1117C>T, p.Arg373Ter (NM_001199800.2); c.1252C>T, p.Arg418Ter (NM_175924.4); short protein forms R462*, R373*, R418*.
Identifiers: ClinVar variation 562073 (VCV000562073.9), dbSNP rs775062249, ClinGen allele CA2568692.

ClinVar aggregate classification (germline): Conflicting classifications of pathogenicity. Review status: criteria provided, conflicting classifications (1 of 4 stars). 7 submissions from 7 submitters: Pathogenic (3); Likely pathogenic (1); Uncertain significance (1). 2 of the submissions do not count toward it. Last evaluated 2026-03-10.

Conditions:
ILDR1-related disorder. Also called: ILDR1-related condition.
Hearing loss, autosomal recessive. Also called: Rare autosomal recessive non-syndromic sensorineural deafness type DFNB; Autosomal recessive nonsyndromic deafness; Nonsyndromic Hearing Loss, Recessive; Deafness, autosomal recessive. Identifiers: Orphanet 90635, Orphanet 90636, MedGen C1846647, MONDO:0019588, OMIM 607197.
Autosomal recessive nonsyndromic hearing loss 42. Identifiers: Orphanet 90636, MedGen C1864818, MONDO:0012326, OMIM 609646.
Monogenic hearing loss.

Allele frequency attached by ClinVar (database versions not stated): gnomAD 0.00001; TOPMed 0.00002; gnomAD exomes 0.00004; ExAC 0.00006.
gnomAD v4.1: 34 of 1,609,804 alleles (0.0021%); highest among the groups gnomAD compares: South Asian, 0.019%; 1 homozygote.

Submissions (7):

Genetics Laboratory, Great Ormond Street Hospital NHS Foundation Trust, North Thames Genomic Laboratory Hub
Classification: Pathogenic for Monogenic hearing loss. Last evaluated: 2026-03-10. Review status: criteria provided, single submitter. Criteria: ACGS Best Practice Guidelines for Variant Classification in Rare Disease 2024 v1.2. Collection method: clinical testing. Allele origin: germline. Affected: yes.
Comment: PM2_supporting, PVS1_very-strong, PM3_moderate

PreventionGenetics, part of Exact Sciences
Classification: Uncertain significance for ILDR1-related condition. Last evaluated: 2025-11-25. Review status: criteria provided, single submitter. Criteria: ACMG Guidelines, 2015. Collection method: clinical testing. Allele origin: germline.
Comment: The ILDR1 c.1384C>T variant is predicted to result in premature protein termination (p.Arg462*). This variant was reported in association with autosomal recessive non-syndromic hearing loss, although detailed genetic and clinical information was not provided (Richard et al. 2019. PubMed ID: 30303587). This variant is reported in 0.020% of alleles in individuals of South Asian descent in gnomAD. To our knowledge, no truncating variants have been reported downstream of this variant located in the penultimate exon. Although we suspect that this variant may be pathogenic, at this time, the clinical significance of this variant is uncertain due to the absence of conclusive functional and genetic evidence.

Labcorp Genetics (formerly Invitae), Labcorp
Classification: Pathogenic. Last evaluated: 2024-02-18. Review status: criteria provided, single submitter. Criteria: Invitae Variant Classification Sherloc (09022015). Collection method: clinical testing. Allele origin: germline.
Comment: This sequence change creates a premature translational stop signal (p.Arg462*) in the ILDR1 gene. It is expected to result in an absent or disrupted protein product. Loss-of-function variants in ILDR1 are known to be pathogenic (PMID: 21255762). This variant is present in population databases (rs775062249, gnomAD 0.02%). This premature translational stop signal has been observed in individual(s) with deafness (PMID: 30303587). ClinVar contains an entry for this variant (Variation ID: 562073). For these reasons, this variant has been classified as Pathogenic.

GeneDx
Classification: Likely pathogenic. Last evaluated: 2022-06-21. Review status: criteria provided, single submitter. Criteria: GeneDx Variant Classification Process June 2021. Collection method: clinical testing. Allele origin: germline. Affected: yes.
Comment: Nonsense variant predicted to result in protein truncation or nonsense mediated decay in a gene for which loss-of-function is a known mechanism of disease; This variant is associated with the following publications: (PMID: 31589614, 30303587)

3billion
Classification: Pathogenic for Autosomal recessive nonsyndromic hearing loss 42. Last evaluated: 2022-05-22. Review status: criteria provided, single submitter. Criteria: ACMG Guidelines, 2015. Collection method: clinical testing. Allele origin: germline. Affected: yes. Observed: 1 homozygote.
Comment: The substitution creates a nonsense variant, which is expected to cause a loss of normal protein function via nonsense-mediated mRNA decay. This variant has been reported as pathogenic (ClinVar ID: VCV000562073, PMID:30303587). It has been reported with an extremely low frequency in the gnomAD v2.1.1. Therefore, this variant is classified as pathogenic according to the recommendation of ACMG/AMP guideline.

National Institute on Deafness and Communication Disorders, National Institutes of Health
Classification: Pathogenic for Autosomal recessive nonsyndromic hearing loss 42. Last evaluated: 2018-07-05. Review status: no assertion criteria provided. Collection method: research. Allele origin: germline. Affected: yes. Observed: 1 homozygote. Segregation with disease observed. Not counted in ClinVar's aggregate classification.

University of Washington Center for Mendelian Genomics, University of Washington
Classification: Likely pathogenic for non-syndromic autosomal recessive hearing loss. Review status: no assertion criteria provided. Collection method: research. Allele origin: inherited. Affected: yes. Not counted in ClinVar's aggregate classification.

Literature cited by the submitters: PubMed 21255762 (cited by Labcorp Genetics (formerly Invitae), Labcorp); PubMed 30303587 (cited by 3 submitters).